The following is an entry in ClinVar:

ClinVar aggregate classification (germline): Uncertain significance. Review status: criteria provided, multiple submitters, no conflicts (2 of 4 stars). 2 submissions from 2 submitters: Uncertain significance (2). Last evaluated 2025-07-16.

Conditions:
Hereditary breast ovarian cancer syndrome. Also called: BRCA1- and BRCA2-Associated Hereditary Breast and Ovarian Cancer; Hereditary breast and ovarian cancer; Hereditary breast and ovarian cancer syndrome (HBOC); Breast and ovarian cancer; Hereditary breast and ovarian cancer syndrome; Hereditary breast and/or ovarian cancer syndrome. Identifiers: Orphanet 145, MedGen C0677776, MeSH D061325, MONDO:0003582. Disease mechanism: loss of function.
Hereditary cancer-predisposing syndrome. Also called: Hereditary neoplastic syndrome; Tumor predisposition; Hereditary Cancer Syndrome; Neoplastic Syndromes, Hereditary. Identifiers: Orphanet 140162, MedGen C0027672, MeSH D009386, MONDO:0015356.

Allele frequency attached by ClinVar (database versions not stated): gnomAD 0.00001.
gnomAD v4.1: 1 of 1,613,832 alleles (0.000062%); highest among the groups gnomAD compares: Admixed American, 0.0017%; no homozygotes.

Submissions (2):

Labcorp Genetics (formerly Invitae), Labcorp
Classification: Uncertain significance for Hereditary breast ovarian cancer syndrome. Last evaluated: 2025-07-16. Review status: criteria provided, single submitter. Criteria: Invitae Variant Classification Sherloc (09022015). Collection method: clinical testing. Allele origin: germline.
Comment: This sequence change replaces cysteine, which is neutral and slightly polar, with phenylalanine, which is neutral and non-polar, at codon 1200 of the BRCA2 protein (p.Cys1200Phe). This variant is not present in population databases (gnomAD no frequency). This variant has not been reported in the literature in individuals affected with BRCA2-related conditions. ClinVar contains an entry for this variant (Variation ID: 2586314). Invitae Evidence Modeling of protein sequence and biophysical properties (such as structural, functional, and spatial information, amino acid conservation, physicochemical variation, residue mobility, and thermodynamic stability) indicates that this missense variant is not expected to disrupt BRCA2 protein function with a negative predictive value of 95%. In summary, the available evidence is currently insufficient to determine the role of this variant in disease. Therefore, it has been classified as a Variant of Uncertain Significance.

Ambry Genetics
Classification: Uncertain significance for Hereditary cancer-predisposing syndrome. Last evaluated: 2023-08-29. Review status: criteria provided, single submitter. Criteria: Ambry Variant Classification Scheme 2023. Collection method: clinical testing. Allele origin: germline.
Comment: The p.C1200F variant (also known as c.3599G>T), located in coding exon 10 of the BRCA2 gene, results from a G to T substitution at nucleotide position 3599. The cysteine at codon 1200 is replaced by phenylalanine, an amino acid with highly dissimilar properties. This amino acid position is conserved. In addition, this alteration is predicted to be tolerated by in silico analysis. Since supporting evidence is limited at this time, the clinical significance of this alteration remains unclear.

NM_000059.4(BRCA2):c.3599G>T (p.Cys1200Phe)

Gene: BRCA2 (BRCA2 DNA repair associated; plus strand). Cytogenetic location: 13q13.1.
Variant type: single nucleotide variant.
Coding change: c.3599G>T on transcript NM_000059.4 (MANE Select); coding-DNA position 3599, G replaced by T.
Protein change: p.Cys1200Phe; replaces cysteine 1200 with phenylalanine.
Molecular consequence: missense variant. On other transcripts: non-coding transcript variant (1), intron variant (2).
Genome position (GRCh38, 1-based): chr13:32,337,954, G>T. VCF-style: chr13-32337954-G-T. GRCh37 (hg19) VCF-style: chr13-32912091-G-T.
Other names: c.3599G>T, p.Cys1200Phe (NM_001406719.1, NM_001406720.1); c.1909+4567G>T (NM_001406721.1); c.425-6604G>T (NM_001406722.1); short protein forms C1200F.
Identifiers: ClinVar variation 2586314 (VCV002586314.3), dbSNP rs1555283305, ClinGen allele CA387777489.